The following is an entry in ClinVar:

NM_198834.3(ACACA):c.1120-1G>A

Gene: ACACA (acetyl-CoA carboxylase alpha; minus strand). Cytogenetic location: 17q12.
Variant type: single nucleotide variant.
Coding change: c.1120-1G>A on transcript NM_198834.3 (MANE Select); the canonical splice acceptor site of the intron before coding-DNA position 1120, G replaced by A.
Molecular consequence: splice acceptor variant.
Genome position (GRCh38, 1-based): chr17:37,263,895, C>T on the plus strand (G>A on the coding strand, the complement: ACACA is on the minus strand). VCF-style: chr17-37263895-C-T. GRCh37 (hg19) VCF-style: chr17-35620798-C-T.
Other names: c.1009-1G>A (NM_198839.3, NM_198836.3); c.835-1G>A (NM_198837.2); c.775-1G>A (NM_198838.2).
Identifiers: ClinVar variation 3729311 (VCV003729311.2).
Genomic context (GRCh38, chr17:37,263,895, plus strand): 5'-ACGAGATTGTTTGGCTAGTCTCATCACAAATATGGGAGATCCAGGAACTTCAGCTTGAAC[C>T]TGTATTAGAAAAGGGGGAAAAAAAAAACCAATTCTTAAATTTTAAACTTTTTATCTATCT-3'

ClinVar aggregate classification (germline): Uncertain significance (1 of 4 stars; one submission).

Submission:

Labcorp Genetics (formerly Invitae), Labcorp
Classification: Uncertain significance. Last evaluated: 2025-01-28. Review status: criteria provided, single submitter. Criteria: Invitae Variant Classification Sherloc (09022015). Collection method: clinical testing. Allele origin: germline.
Comment: This sequence change affects an acceptor splice site in intron 14 of the ACACA gene. It is expected to disrupt RNA splicing. Variants that disrupt the donor or acceptor splice site typically lead to a loss of protein function (PMID: 16199547), however the current clinical and genetic evidence is not sufficient to establish whether loss-of-function variants in ACACA cause disease. This variant is not present in population databases (gnomAD no frequency). This variant has not been reported in the literature in individuals affected with ACACA-related conditions. Algorithms developed to predict the effect of sequence changes on RNA splicing suggest that this variant may disrupt the consensus splice site. In summary, the available evidence is currently insufficient to determine the role of this variant in disease. Therefore, it has been classified as a Variant of Uncertain Significance.

Literature cited by the submitters: PubMed 16199547.